The following is an entry in ClinVar:

ClinVar aggregate classification (germline): Uncertain significance. Review status: criteria provided, multiple submitters, no conflicts (2 of 4 stars). 3 submissions from 3 submitters: Uncertain significance (3). Last evaluated 2025-05-19.

Conditions:
Inborn genetic diseases. Identifiers: MedGen C0950123, MeSH D030342.
Facioscapulohumeral muscular dystrophy 2 (FSHD2). Also called: MUSCULAR DYSTROPHY, FACIOSCAPULOHUMERAL, TYPE 1B; FACIOSCAPULOHUMERAL MUSCULAR DYSTROPHY 2, DIGENIC; FSHD2, DIGENIC. Identifiers: Orphanet 269, MedGen C1834671, MONDO:0008031, OMIM 158901.

Allele frequency attached by ClinVar (database versions not stated): gnomAD 0.00001; TOPMed 0.00003.
gnomAD v4.1: 3 of 1,611,264 alleles (0.00019%); no homozygotes.

Submissions (3):

Ambry Genetics
Classification: Uncertain significance for Inborn genetic diseases. Last evaluated: 2025-05-19. Review status: criteria provided, single submitter. Criteria: Ambry Variant Classification Scheme 2023. Collection method: clinical testing. Allele origin: germline.

Labcorp Genetics (formerly Invitae), Labcorp
Classification: Uncertain significance for Facioscapulohumeral muscular dystrophy 2. Last evaluated: 2024-10-29. Review status: criteria provided, single submitter. Criteria: Invitae Variant Classification Sherloc (09022015). Collection method: clinical testing. Allele origin: germline.
Comment: This sequence change replaces alanine, which is neutral and non-polar, with serine, which is neutral and polar, at codon 601 of the SMCHD1 protein (p.Ala601Ser). This variant is not present in population databases (gnomAD no frequency). This variant has not been reported in the literature in individuals affected with SMCHD1-related conditions. ClinVar contains an entry for this variant (Variation ID: 290646). Invitae Evidence Modeling of protein sequence and biophysical properties (such as structural, functional, and spatial information, amino acid conservation, physicochemical variation, residue mobility, and thermodynamic stability) indicates that this missense variant is not expected to disrupt SMCHD1 protein function with a negative predictive value of 80%. In summary, the available evidence is currently insufficient to determine the role of this variant in disease. Therefore, it has been classified as a Variant of Uncertain Significance.

Eurofins Ntd Llc (ga)
Classification: Uncertain significance. Last evaluated: 2018-06-14. Review status: criteria provided, single submitter. Criteria: EGL ClinVar v180209 classification definitions. Collection method: clinical testing. Allele origin: germline. Observed: 3 variant alleles, 3 heterozygotes.

NM_015295.3(SMCHD1):c.1801G>T (p.Ala601Ser)

Gene: SMCHD1 (structural maintenance of chromosomes flexible hinge domain containing 1; plus strand). Cytogenetic location: 18p11.32.
Variant type: single nucleotide variant.
Coding change: c.1801G>T on transcript NM_015295.3 (MANE Select); coding-DNA position 1801, G replaced by T.
Protein change: p.Ala601Ser; replaces alanine 601 with serine.
Molecular consequence: missense variant.
Genome position (GRCh38, 1-based): chr18:2,703,845, G>T. VCF-style: chr18-2703845-G-T. GRCh37 (hg19) VCF-style: chr18-2703843-G-T.
Other names: c.1801G>T (NM_015295.2); short protein forms A601S.
Identifiers: ClinVar variation 290646 (VCV000290646.9), dbSNP rs886044519, ClinGen allele CA10606860.
Genomic context (GRCh38, chr18:2,703,845, plus strand): 5'-GGAGTAATTACACGTCCTGATCTTCCTTCTAAAAAGCAAGGTCCCTGGGCAACATATGCA[G>T]CAATAGAATGGGATGGAAAGATATACAAAGCAGGACAGCTGGTAGGTTTAACTTATTGTC-3'
Protein context (NP_056110.2, residues 591-611): KKQGPWATYA[Ala601Ser]IEWDGKIYKA